The following is an entry in ClinVar:

NM_198578.4(LRRK2):c.1453C>A (p.Pro485Thr)

Gene: LRRK2 (leucine rich repeat kinase 2; plus strand). Cytogenetic location: 12q12.
Variant type: single nucleotide variant.
Coding change: c.1453C>A on transcript NM_198578.4 (MANE Select); coding-DNA position 1453, C replaced by A.
Protein change: p.Pro485Thr; replaces proline 485 with threonine.
Molecular consequence: missense variant.
Genome position (GRCh38, 1-based): chr12:40,259,514, C>A. VCF-style: chr12-40259514-C-A. GRCh37 (hg19) VCF-style: chr12-40653316-C-A.
Other names: short protein forms P485T.
Identifiers: ClinVar variation 1772997 (VCV001772997.3), dbSNP rs1449710234, ClinGen allele CA384411335.

ClinVar aggregate classification (germline): Uncertain significance (1 of 4 stars; one submission).

Conditions:
Inborn genetic diseases. Identifiers: MedGen C0950123, MeSH D030342.

Allele frequency attached by ClinVar (database versions not stated): gnomAD exomes below 0.00001; TOPMed below 0.00001; gnomAD 0.00001.
gnomAD v4.1: 6 of 1,613,174 alleles (0.00037%); highest among the groups gnomAD compares: Non-Finnish European, 0.00051%; no homozygotes.

Submission:

Ambry Genetics
Classification: Uncertain significance for Inborn genetic diseases. Last evaluated: 2024-06-21. Review status: criteria provided, single submitter. Criteria: Ambry Variant Classification Scheme 2023. Collection method: clinical testing. Allele origin: germline.
Comment: The p.P485T variant (also known as c.1453C>A), located in coding exon 13 of the LRRK2 gene, results from a C to A substitution at nucleotide position 1453. The proline at codon 485 is replaced by threonine, an amino acid with highly similar properties. This amino acid position is conserved. In addition, this alteration is predicted to be tolerated by in silico analysis. Since supporting evidence is limited at this time, the clinical significance of this alteration remains unclear.